The following is an entry in ClinVar:

ClinVar aggregate classification (germline): Likely benign (1 of 4 stars; one submission).

Submission:

CeGaT Center for Human Genetics Tuebingen
Classification: Likely benign. Last evaluated: 2025-01-01. Review status: criteria provided, single submitter. Criteria: CeGaT Center For Human Genetics Tuebingen Variant Classification Criteria Version 2. Collection method: clinical testing. Allele origin: germline. Affected: yes. Observed: 1 variant allele.
Comment: TBK1: PM2:Supporting, BP4, BP7

NM_013254.4(TBK1):c.1644T>C (p.Asn548=)

Gene: TBK1 (TANK binding kinase 1; plus strand). Cytogenetic location: 12q14.2.
Variant type: single nucleotide variant.
Coding change: c.1644T>C on transcript NM_013254.4 (MANE Select); coding-DNA position 1644, T replaced by C.
Protein change: p.Asn548=; no amino-acid change (asparagine 548 retained).
Molecular consequence: synonymous variant.
Genome position (GRCh38, 1-based): chr12:64,495,699, T>C. VCF-style: chr12-64495699-T-C. GRCh37 (hg19) VCF-style: chr12-64889479-T-C.
Identifiers: ClinVar variation 3772181 (VCV003772181.13).